The following is an entry in ClinVar:

NM_152415.3(VPS37A):c.718T>A (p.Ser240Thr)

Gene: VPS37A (VPS37A subunit of ESCRT-I; plus strand). Cytogenetic location: 8p22.
Variant type: single nucleotide variant.
Coding change: c.718T>A on transcript NM_152415.3 (MANE Select); coding-DNA position 718, T replaced by A.
Protein change: p.Ser240Thr; replaces serine 240 with threonine.
Molecular consequence: missense variant.
Genome position (GRCh38, 1-based): chr8:17,280,032, T>A. VCF-style: chr8-17280032-T-A. GRCh37 (hg19) VCF-style: chr8-17137541-T-A.
Other names: c.643T>A, p.Ser215Thr (NM_001145152.2); c.718T>A, p.Ser240Thr (NM_001363167.1, NM_001363173.2); c.448T>A, p.Ser150Thr (NM_001363168.1, NM_001363169.1, NM_001363170.1 and 2 more transcripts); short protein forms S150T, S240T, S215T.
Identifiers: ClinVar variation 2193391 (VCV002193391.4), dbSNP rs149619357, ClinGen allele CA4643483.

ClinVar aggregate classification (germline): Uncertain significance (1 of 4 stars; one submission).

Conditions:
Hereditary spastic paraplegia 53. Also called: Spastic paraplegia 53, autosomal recessive. Identifiers: Orphanet 319199, MedGen C3539494, MONDO:0013962, OMIM 614898.

Allele frequency attached by ClinVar (database versions not stated): gnomAD 0.00001; ESP Exome Variant Server 0.00008; gnomAD exomes 0.00001; ExAC 0.00002; TOPMed 0.00002.
gnomAD v4.1: 14 of 1,610,310 alleles (0.00087%); highest among the groups gnomAD compares: Non-Finnish European, 0.0012%; no homozygotes.

Submission:

Labcorp Genetics (formerly Invitae), Labcorp
Classification: Uncertain significance for Hereditary spastic paraplegia 53. Last evaluated: 2025-07-07. Review status: criteria provided, single submitter. Criteria: Invitae Variant Classification Sherloc (09022015). Collection method: clinical testing. Allele origin: germline.
Comment: This sequence change replaces serine, which is neutral and polar, with threonine, which is neutral and polar, at codon 240 of the VPS37A protein (p.Ser240Thr). This variant is present in population databases (rs149619357, gnomAD 0.002%). This variant has not been reported in the literature in individuals affected with VPS37A-related conditions. ClinVar contains an entry for this variant (Variation ID: 2193391). Invitae Evidence Modeling of protein sequence and biophysical properties (such as structural, functional, and spatial information, amino acid conservation, physicochemical variation, residue mobility, and thermodynamic stability) indicates that this missense variant is not expected to disrupt VPS37A protein function with a negative predictive value of 80%. In summary, the available evidence is currently insufficient to determine the role of this variant in disease. Therefore, it has been classified as a Variant of Uncertain Significance.